The following is an entry in ClinVar:

NM_017433.5(MYO3A):c.1003T>C (p.Ser335Pro)

Gene: MYO3A (myosin IIIA; plus strand). Cytogenetic location: 10p12.1.
Variant type: single nucleotide variant.
Coding change: c.1003T>C on transcript NM_017433.5 (MANE Select); coding-DNA position 1003, T replaced by C.
Protein change: p.Ser335Pro; replaces serine 335 with proline.
Molecular consequence: missense variant.
Genome position (GRCh38, 1-based): chr10:26,067,024, T>C. VCF-style: chr10-26067024-T-C. GRCh37 (hg19) VCF-style: chr10-26355953-T-C.
Other names: short protein forms S335P.
Identifiers: ClinVar variation 4977806 (VCV004977806.1).

ClinVar aggregate classification (germline): Uncertain significance (1 of 4 stars; one submission).

Conditions:
MYO3A-related disorder. Also called: MYO3A-related condition.

gnomAD v4.1: 33 of 1,613,172 alleles (0.002%); highest among the groups gnomAD compares: Non-Finnish European, 0.0027%; no homozygotes.

Submission:

PreventionGenetics, part of Exact Sciences
Classification: Uncertain significance for MYO3A-related condition. Last evaluated: 2025-03-26. Review status: criteria provided, single submitter. Criteria: ACMG Guidelines, 2015. Collection method: clinical testing. Allele origin: germline.
Comment: The MYO3A c.1003T>C variant is predicted to result in the amino acid substitution p.Ser335Pro. To our knowledge, this variant has not been reported in the literature. This variant is reported in 0.0026% of alleles in individuals of European (Non-Finnish) descent in gnomAD. At this time, the clinical significance of this variant is uncertain due to the absence of conclusive functional and genetic evidence.